The following is an entry in ClinVar:

ClinVar aggregate classification (germline): Uncertain significance (1 of 4 stars; one submission).

Conditions:
Hypertrophic cardiomyopathy. Also called: HYPERTROPHIC MYOCARDIOPATHY. Identifiers: Orphanet 217569, MedGen C0007194, MeSH D002312, MONDO:0005045, HP:0001639.

Submission:

All of Us Research Program, National Institutes of Health
Classification: Uncertain significance for Hypertrophic cardiomyopathy. Last evaluated: 2023-05-04. Review status: criteria provided, single submitter. Criteria: ACMG Guidelines, 2015. Collection method: clinical testing. Allele origin: germline. Inheritance: Autosomal dominant inheritance. Observed: 1 variant allele, 1 heterozygote.
Comment: This variant inserts 1 nucleotide in exon 4 of the MYL3 gene, creating a frameshift and premature translation stop signal. This variant is expected to result in an absent or non-functional protein product. To our knowledge, this variant has not been reported in individuals affected with MYL3-related disorders in the literature. The role of MYL3 truncations and other loss-of-function variants in cardiovascular disorders is not yet fully understood. This variant has not been identified in the general population by the Genome Aggregation Database (gnomAD). The available evidence is insufficient to determine the role of this variant in disease conclusively. Therefore, this variant is classified as a Variant of Uncertain Significance.

This study involves interpretation of variants in research participants for the purpose of population health screening. Participant phenotype was not available at the time of variant classification. Additional details can be found in publication PMID: 35346344, PMCID: PMC8962531

NM_000258.3(MYL3):c.455_456insT (p.Glu152fs)

Gene: MYL3 (myosin light chain 3; minus strand). Cytogenetic location: 3p21.31.
Variant type: Insertion.
Coding change: c.455_456insT on transcript NM_000258.3 (MANE Select); coding-DNA positions 455 to 456, T inserted.
Protein change: p.Glu152fs; shifts the reading frame from glutamic acid 152.
Molecular consequence: frameshift variant.
Genome position: GRCh38 VCF-style: chr3-46859500-C-CA. GRCh37 (hg19) VCF-style: chr3-46900990-C-CA.
Other names: c.455_456insT, p.Glu152fs (NM_001406937.1, NM_001406938.1, NM_001406939.1); c.281_282insT, p.Glu94fs (NM_001406940.1, NM_001406941.1); short protein forms E152fs, E94fs.
Identifiers: ClinVar variation 3070759 (VCV003070759.1), dbSNP rs2544964952, ClinGen allele CA2825001244.
Genomic context (GRCh38, chr3:46,859,500, plus strand): 5'-GAAGGAGTTGGGGTAGGGGAGGAGGCTGCCCTCACCCAGCGTGGCCAGCACGTGGCGAAG[C>CA]TCAGCACCCATGACAGTGCCATTGCCCTCCTTGTCGAAGACCCGCAGCCCCTCCACGAAG-3'